The following is an entry in ClinVar:

ClinVar aggregate classification (germline): Conflicting classifications of pathogenicity. Review status: criteria provided, conflicting classifications (1 of 4 stars). 8 submissions from 7 submitters: Uncertain significance (2); Benign (1); Likely benign (5). Last evaluated 2026-05-21.

Conditions:
COL11A2-related disorder. Also called: COL11A2-related condition; COL11A2-related disorders.
Fibrochondrogenesis 2 (FBCG2). Identifiers: Orphanet 2021, MedGen C3281128, MONDO:0013795, OMIM 614524.
Otospondylomegaepiphyseal dysplasia, autosomal recessive (OSMEDB). Also called: Insley-Astley syndrome; CHONDRODYSTROPHY WITH SENSORINEURAL DEAFNESS. Identifiers: Orphanet 1427, MedGen CN034493, MONDO:0044206, OMIM 215150.

Allele frequency attached by ClinVar (database versions not stated): gnomAD 0.00011 and 0.00013; TOPMed 0.00018; 1000 Genomes Project 0.00020; gnomAD exomes 0.00024 and 0.00006; ExAC 0.00028; 1000 Genomes Project 30x 0.00031.
gnomAD v4.1: 101 of 1,613,842 alleles (0.0063%); highest among the groups gnomAD compares: East Asian, 0.2%; no homozygotes.

Submissions (8):

Women's Health and Genetics/Laboratory Corporation of America, LabCorp
Classification: Likely benign. Last evaluated: 2026-05-21. Review status: criteria provided, single submitter. Criteria: LabCorp Variant Classification Summary - May 2015. Collection method: clinical testing. Allele origin: germline.
Comment: Variant summary: COL11A2 c.1208C>T (p.Pro403Leu) results in a non-conservative amino acid change in the encoded protein sequence. Algorithms developed to predict the effect of missense changes on protein structure and function all suggest that this variant is likely to be disruptive. The variant allele was found at a frequency of 0.00024 in 250474 control chromosomes, predominantly at a frequency of 0.0033 within the East Asian subpopulation in the gnomAD database. The observed variant frequency within East Asian control individuals in the gnomAD database exceeds the estimated maximal expected allele frequency for disease-causing variants in COL11A2. To our knowledge, no occurrence of c.1208C>T in individuals affected with COL11A2-related conditions and no experimental evidence demonstrating its impact on protein function have been reported. ClinVar contains an entry for this variant (Variation ID: 356407). Based on the evidence outlined above, the variant was classified as likely benign.

Labcorp Genetics (formerly Invitae), Labcorp
Classification: Benign. Last evaluated: 2026-01-19. Review status: criteria provided, single submitter. Criteria: Invitae Variant Classification Sherloc (09022015). Collection method: clinical testing. Allele origin: germline.

PreventionGenetics, part of Exact Sciences
Classification: Likely benign for COL11A2-related condition. Last evaluated: 2025-06-26. Review status: criteria provided, single submitter. Criteria: ACMG Guidelines, 2015. Collection method: clinical testing. Allele origin: germline.
Comment: This variant is classified as likely benign based on ACMG/AMP sequence variant interpretation guidelines (Richards et al. 2015 PMID: 25741868, with internal and published modifications).

Blueprint Genetics
Classification: Likely benign. Last evaluated: 2024-08-30. Review status: criteria provided, single submitter. Criteria: ACMG Guidelines, 2015. Collection method: clinical testing. Allele origin: germline.

GeneDx
Classification: Uncertain significance. Last evaluated: 2024-06-28. Review status: criteria provided, single submitter. Criteria: GeneDx Variant Classification Process June 2021. Collection method: clinical testing. Allele origin: germline. Affected: yes.
Comment: In silico analysis supports that this missense variant has a deleterious effect on protein structure/function; Has not been previously published as pathogenic or benign to our knowledge

Illumina Laboratory Services, Illumina
Classification: Likely benign for Otospondylomegaepiphyseal dysplasia, autosomal recessive. Last evaluated: 2018-01-12. Review status: criteria provided, single submitter. Criteria: ICSL Variant Classification Criteria 13 December 2019. Collection method: clinical testing. Allele origin: germline.
Comment: This variant was observed in the ICSL laboratory as part of a predisposition screen in an ostensibly healthy population. It had not been previously curated by ICSL or reported in the Human Gene Mutation Database (HGMD: prior to June 1st, 2018), and was therefore a candidate for classification through an automated scoring system. Utilizing variant allele frequency, disease prevalence and penetrance estimates, and inheritance mode, an automated score was calculated to assess if this variant is too frequent to cause the disease. Based on the score and internal cut-off values, a variant classified as likely benign is not then subjected to further curation. The score for this variant resulted in a classification of likely benign for this disease.

Illumina Laboratory Services, Illumina
Classification: Likely benign for Fibrochondrogenesis 2. Last evaluated: 2018-01-12. Review status: criteria provided, single submitter. Criteria: ICSL Variant Classification Criteria 13 December 2019. Collection method: clinical testing. Allele origin: germline.
Comment: the same text as in the submission from Illumina Laboratory Services, Illumina above.

ARUP Laboratories, Molecular Genetics and Genomics, ARUP Laboratories
Classification: Uncertain significance. Last evaluated: 2016-10-17. Review status: criteria provided, single submitter. Criteria: ARUP Molecular Germline Variant Investigation Process. Collection method: clinical testing. Allele origin: germline.

NM_080680.3(COL11A2):c.1208C>T (p.Pro403Leu)

Gene: COL11A2 (collagen type XI alpha 2 chain; minus strand). Cytogenetic location: 6p21.32.
Variant type: single nucleotide variant.
Coding change: c.1208C>T on transcript NM_080680.3 (MANE Select); coding-DNA position 1208, C replaced by T.
Protein change: p.Pro403Leu; replaces proline 403 with leucine.
Molecular consequence: missense variant.
Genome position (GRCh38, 1-based): chr6:33,180,977, G>A on the plus strand (C>T on the coding strand, the complement: COL11A2 is on the minus strand). VCF-style: chr6-33180977-G-A. GRCh37 (hg19) VCF-style: chr6-33148754-G-A.
Other names: c.887C>T, p.Pro296Leu (NM_080679.3); c.950C>T, p.Pro317Leu (NM_080681.3); short protein forms P403L, P296L, P317L.
Identifiers: ClinVar variation 356407 (VCV000356407.25), dbSNP rs201179101, ClinGen allele CA3751427.